The following is an entry in ClinVar:

ClinVar aggregate classification (germline): Uncertain significance (1 of 4 stars; one submission).

Conditions:
Inborn genetic diseases. Identifiers: MedGen C0950123, MeSH D030342.

Submission:

Ambry Genetics
Classification: Uncertain significance for Inborn genetic diseases. Last evaluated: 2025-01-03. Review status: criteria provided, single submitter. Criteria: Ambry Variant Classification Scheme 2023. Collection method: clinical testing. Allele origin: germline.
Comment: The p.G1348W variant (also known as c.4042G>T), located in coding exon 13 of the ASXL1 gene, results from a G to T substitution at nucleotide position 4042. The glycine at codon 1348 is replaced by tryptophan, an amino acid with highly dissimilar properties. This amino acid position is conserved. In addition, this alteration is predicted to be tolerated by in silico analysis. Based on the available evidence, the clinical significance of this variant remains unclear.

NM_015338.6(ASXL1):c.4042G>T (p.Gly1348Trp)

Gene: ASXL1 (ASXL transcriptional regulator 1; plus strand). Cytogenetic location: 20q11.21.
Variant type: single nucleotide variant.
Coding change: c.4042G>T on transcript NM_015338.6 (MANE Select); coding-DNA position 4042, G replaced by T.
Protein change: p.Gly1348Trp; replaces glycine 1348 with tryptophan.
Molecular consequence: missense variant.
Genome position (GRCh38, 1-based): chr20:32,436,754, G>T. VCF-style: chr20-32436754-G-T. GRCh37 (hg19) VCF-style: chr20-31024557-G-T.
Other names: c.3859G>T, p.Gly1287Trp (NM_001363734.1); short protein forms G1287W, G1348W.
Identifiers: ClinVar variation 3791877 (VCV003791877.1).